The following is an entry in ClinVar:

ClinVar aggregate classification (germline): Likely benign. Review status: criteria provided, multiple submitters, no conflicts (2 of 4 stars). 6 submissions from 6 submitters: Likely benign (4). 2 of the submissions do not count toward it. Last evaluated 2026-01-14.

Conditions:
MEGF8-related Carpenter syndrome. Also called: Carpenter syndrome 2. Identifiers: Orphanet 65759, MedGen C3554247, MONDO:0013998, OMIM 614976.

Allele frequency attached by ClinVar (database versions not stated): 1000 Genomes Project 30x 0.00031; 1000 Genomes Project 0.00040; ExAC 0.00069; gnomAD exomes 0.00073 and 0.00098; gnomAD 0.00074 and 0.00075; TOPMed 0.00085; ESP Exome Variant Server 0.00123.
gnomAD v4.1: 1,527 of 1,612,540 alleles (0.095%); highest among the groups gnomAD compares: Middle Eastern, 0.28%; 2 homozygotes.

Submissions (6):

Labcorp Genetics (formerly Invitae), Labcorp
Classification: Likely benign for MEGF8-related Carpenter syndrome. Last evaluated: 2026-01-14. Review status: criteria provided, single submitter. Criteria: Invitae Variant Classification Sherloc (09022015). Collection method: clinical testing. Allele origin: germline.

CeGaT Center for Human Genetics Tuebingen
Classification: Likely benign. Last evaluated: 2026-01-01. Review status: criteria provided, single submitter. Criteria: CeGaT Center For Human Genetics Tuebingen Variant Classification Criteria Version 2. Collection method: clinical testing. Allele origin: germline. Affected: yes. Observed: 1 variant allele.
Comment: MEGF8: BS2

Blueprint Genetics
Classification: Likely benign. Last evaluated: 2024-10-04. Review status: criteria provided, single submitter. Criteria: ACMG Guidelines, 2015. Collection method: clinical testing. Allele origin: germline.

Breakthrough Genomics
Classification: Likely benign. Review status: criteria provided, single submitter. Criteria: ACMG Guidelines, 2015. Collection method: not provided. Allele origin: germline. Inheritance: Autosomal recessive inheritance. Affected: yes.

Clinical Genetics DNA and cytogenetics Diagnostics Lab, Erasmus MC, Erasmus Medical Center
Classification: Likely benign. Review status: no assertion criteria provided. Collection method: clinical testing. Allele origin: germline. Affected: yes. Study: VKGL Data-share Consensus. Not counted in ClinVar's aggregate classification.

Laboratory of Diagnostic Genome Analysis, Leiden University Medical Center (LUMC)
Classification: Likely benign. Review status: no assertion criteria provided. Collection method: clinical testing. Allele origin: germline. Affected: yes. Study: VKGL Data-share Consensus. Not counted in ClinVar's aggregate classification.

NM_001271938.2(MEGF8):c.7567A>G (p.Thr2523Ala)

Gene: MEGF8 (multiple EGF like domains 8; plus strand). Cytogenetic location: 19q13.2.
Variant type: single nucleotide variant.
Coding change: c.7567A>G on transcript NM_001271938.2 (MANE Select); coding-DNA position 7567, A replaced by G.
Protein change: p.Thr2523Ala; replaces threonine 2523 with alanine.
Molecular consequence: missense variant.
Genome position (GRCh38, 1-based): chr19:42,375,804, A>G. VCF-style: chr19-42375804-A-G. GRCh37 (hg19) VCF-style: chr19-42879956-A-G.
Other names: c.7366A>G, p.Thr2456Ala (NM_001410.3); short protein forms T2456A, T2523A.
Identifiers: ClinVar variation 565484 (VCV000565484.17), dbSNP rs139192223, ClinGen allele CA9476204.